The following is an entry in ClinVar:

NM_006846.4(SPINK5):c.2038_2041del (p.Lys680fs)

Gene: SPINK5 (serine peptidase inhibitor Kazal type 5; plus strand). Cytogenetic location: 5q32.
Variant type: Microsatellite.
Coding change: c.2038_2041del on transcript NM_006846.4 (MANE Select); coding-DNA positions 2038 to 2041, 4 bases deleted (AAGA; older notation c.2038_2041delAAGA).
Protein change: p.Lys680fs; shifts the reading frame from lysine 680.
Molecular consequence: frameshift variant.
Genome position (GRCh38, 1-based): chr5:148,116,392-148,116,395, AAGA deleted; deleting any 4 consecutive bases within chr5:148,116,386-148,116,395 gives the same sequence; the c. name uses the placement nearest the transcript's 3' end. VCF-style (leftmost placement, unchanged base first): chr5-148116385-GGAAA-G. GRCh37 (hg19) VCF-style: chr5-147495948-GGAAA-G.
Other names: c.2038_2041del, p.Lys680fs (NM_001127698.2, NM_001127699.2); short protein forms K680fs.
Identifiers: ClinVar variation 2025719 (VCV002025719.4), dbSNP rs2531776765, ClinGen allele CA2580614766.

ClinVar aggregate classification (germline): Pathogenic (1 of 4 stars; one submission).

Conditions:
Ichthyosis linearis circumflexa. Identifiers: MedGen C0265962, MONDO:0043106, HP:0025810.

Submission:

Labcorp Genetics (formerly Invitae), Labcorp
Classification: Pathogenic for Ichthyosis linearis circumflexa. Last evaluated: 2022-08-29. Review status: criteria provided, single submitter. Criteria: Invitae Variant Classification Sherloc (09022015). Collection method: clinical testing. Allele origin: germline.
Comment: For these reasons, this variant has been classified as Pathogenic. This variant has not been reported in the literature in individuals affected with SPINK5-related conditions. This variant is not present in population databases (gnomAD no frequency). This sequence change creates a premature translational stop signal (p.Lys680Glyfs*34) in the SPINK5 gene. It is expected to result in an absent or disrupted protein product. Loss-of-function variants in SPINK5 are known to be pathogenic (PMID: 11511292, 11841556).

Literature cited by the submitters: PubMed 11511292; PubMed 11841556.